The following is an entry in ClinVar:

NM_001272071.2(AP1S2):c.386A>C (p.Asn129Thr)

Gene: AP1S2 (adaptor related protein complex 1 subunit sigma 2; minus strand). Cytogenetic location: Xp22.2.
Variant type: single nucleotide variant.
Coding change: c.386A>C on transcript NM_001272071.2 (MANE Select); coding-DNA position 386, A replaced by C.
Protein change: p.Asn129Thr; replaces asparagine 129 with threonine.
Molecular consequence: missense variant. On other transcripts: non-coding transcript variant (2).
Genome position (GRCh38, 1-based): chrX:15,845,419, T>G on the plus strand (A>C on the coding strand, the complement: AP1S2 is on the minus strand). VCF-style: chrX-15845419-T-G. GRCh37 (hg19) VCF-style: chrX-15863542-T-G.
Other names: c.386A>C, p.Asn129Thr (NM_001368994.1, NM_001369007.1, NM_001369008.1 and 1 more transcripts); c.386A>C (NM_003916.3); short protein forms N129T.
Identifiers: ClinVar variation 3620205 (VCV003620205.3).

ClinVar aggregate classification (germline): Uncertain significance. Review status: criteria provided, multiple submitters, no conflicts (2 of 4 stars). 2 submissions from 2 submitters: Uncertain significance (2). Last evaluated 2024-10-09.

Submissions (2):

GeneDx
Classification: Uncertain significance. Last evaluated: 2024-10-09. Review status: criteria provided, single submitter. Criteria: GeneDx Variant Classification Process June 2021. Collection method: clinical testing. Allele origin: germline. Affected: yes.
Comment: Not observed at significant frequency in large population cohorts (gnomAD); In silico analysis supports that this missense variant does not alter protein structure/function; Has not been previously published as pathogenic or benign to our knowledge

Labcorp Genetics (formerly Invitae), Labcorp
Classification: Uncertain significance. Last evaluated: 2024-06-23. Review status: criteria provided, single submitter. Criteria: Invitae Variant Classification Sherloc (09022015). Collection method: clinical testing. Allele origin: germline.
Comment: This sequence change replaces asparagine, which is neutral and polar, with threonine, which is neutral and polar, at codon 129 of the AP1S2 protein (p.Asn129Thr). This variant is not present in population databases (gnomAD no frequency). This variant has not been reported in the literature in individuals affected with AP1S2-related conditions. An algorithm developed to predict the effect of missense changes on protein structure and function (PolyPhen-2) suggests that this variant is likely to be tolerated. In summary, the available evidence is currently insufficient to determine the role of this variant in disease. Therefore, it has been classified as a Variant of Uncertain Significance.